The following is an entry in ClinVar:

ClinVar aggregate classification (germline): Uncertain significance. Review status: criteria provided, multiple submitters, no conflicts (2 of 4 stars). 2 submissions from 2 submitters: Uncertain significance (2). Last evaluated 2024-06-06.

Conditions:
Polycystic kidney disease, adult type (PKD1). Also called: Polycystic Kidney Disease 1, Autosomal Dominant; Polycystic kidney disease 1; Polycystic kidney disease 1, severe; Polycystic Kidney, Autosomal Dominant; POLYCYSTIC KIDNEY DISEASE, ADULT, TYPE I; POLYCYSTIC KIDNEY DISEASE 1 WITH OR WITHOUT POLYCYSTIC LIVER DISEASE. Identifiers: MedGen C3149841, MONDO:0008263, OMIM 173900.

Allele frequency attached by ClinVar (database versions not stated): gnomAD 0.00001; gnomAD exomes 0.00001; TOPMed 0.00002.
gnomAD v4.1: 9 of 1,610,228 alleles (0.00056%); highest among the groups gnomAD compares: Admixed American, 0.0033%; no homozygotes.

Submissions (2):

Fulgent Genetics
Classification: Uncertain significance for Polycystic kidney disease, adult type. Last evaluated: 2024-06-06. Review status: criteria provided, single submitter. Criteria: ACMG Guidelines, 2015. Collection method: clinical testing. Allele origin: germline.

GeneDx
Classification: Uncertain significance. Last evaluated: 2022-10-11. Review status: criteria provided, single submitter. Criteria: GeneDx Variant Classification Process June 2021. Collection method: clinical testing. Allele origin: germline. Affected: yes.
Comment: Not observed at significant frequency in large population cohorts (gnomAD); In silico analysis supports that this missense variant does not alter protein structure/function; Has not been previously published as pathogenic or benign to our knowledge

NM_001009944.3(PKD1):c.12758G>A (p.Arg4253Gln)

Gene: PKD1 (polycystin 1, transient receptor potential channel interacting; minus strand). Cytogenetic location: 16p13.3.
Variant type: single nucleotide variant.
Coding change: c.12758G>A on transcript NM_001009944.3 (MANE Select); coding-DNA position 12758, G replaced by A.
Protein change: p.Arg4253Gln; replaces arginine 4253 with glutamine.
Molecular consequence: missense variant.
Genome position (GRCh38, 1-based): chr16:2,089,881, C>T on the plus strand (G>A on the coding strand, the complement: PKD1 is on the minus strand). VCF-style: chr16-2089881-C-T. GRCh37 (hg19) VCF-style: chr16-2139882-C-T.
Other names: c.12755G>A, p.Arg4252Gln (NM_000296.4); short protein forms R4252Q, R4253Q.
Identifiers: ClinVar variation 2499301 (VCV002499301.2), dbSNP rs771695253, ClinGen allele CA394319949.